The following is an entry in ClinVar:

NC_000005.9:g.(?_52285299)_(56189507_?)del

Genes: ANKRD55 (ankyrin repeat domain 55; minus strand), ARL15 (ARF like GTPase 15; minus strand), CCNO (cyclin O; minus strand), CDC20B (cell division cycle 20B; minus strand), DDX4 (DEAD-box helicase 4; plus strand) and 20 more. Cytogenetic location: 5q11.2.
Variant type: Deletion.
Identifiers: ClinVar variation 2424366 (VCV002424366.3).

ClinVar aggregate classification (germline): Pathogenic (1 of 4 stars; one submission).

Submission:

Labcorp Genetics (formerly Invitae), Labcorp
Classification: Pathogenic. Last evaluated: 2023-11-01. Review status: criteria provided, single submitter. Criteria: Invitae Variant Classification Sherloc (09022015). Collection method: clinical testing. Allele origin: germline.
Comment: A gross deletion of the genomic region encompassing the full coding sequence of the IL6ST gene has been identified. Loss-of-function variants in IL6ST are known to be pathogenic (PMID: 31914175). The boundaries of this event are unknown as they extend beyond the assayed region for this gene and therefore may encompass additional genes. This variant has not been reported in the literature in individuals affected with IL6ST-related conditions. For these reasons, this variant has been classified as Pathogenic.

Literature cited by the submitters: PubMed 31914175.